The following is an entry in ClinVar:

NM_001371928.1(AHDC1):c.1159A>G (p.Thr387Ala)

Gene: AHDC1 (AT-hook DNA binding motif containing 1; minus strand). Cytogenetic location: 1p36.11.
Variant type: single nucleotide variant.
Coding change: c.1159A>G on transcript NM_001371928.1 (MANE Select); coding-DNA position 1159, A replaced by G.
Protein change: p.Thr387Ala; replaces threonine 387 with alanine.
Molecular consequence: missense variant.
Genome position (GRCh38, 1-based): chr1:27,550,957, T>C on the plus strand (A>G on the coding strand, the complement: AHDC1 is on the minus strand). VCF-style: chr1-27550957-T-C. GRCh37 (hg19) VCF-style: chr1-27877468-T-C.
Other names: c.1159A>G, p.Thr387Ala (NM_001029882.3); short protein forms T387A.
Identifiers: ClinVar variation 1922419 (VCV001922419.5), dbSNP rs1427333777, ClinGen allele CA339234978.

ClinVar aggregate classification (germline): Uncertain significance (1 of 4 stars; one submission).

Allele frequency attached by ClinVar (database versions not stated): gnomAD exomes below 0.00001; gnomAD 0.00001; TOPMed 0.00002.
gnomAD v4.1: 4 of 1,597,944 alleles (0.00025%); highest among the groups gnomAD compares: African/African-American, 0.0027%; no homozygotes.

Submission:

Labcorp Genetics (formerly Invitae), Labcorp
Classification: Uncertain significance. Last evaluated: 2022-04-08. Review status: criteria provided, single submitter. Criteria: Invitae Variant Classification Sherloc (09022015). Collection method: clinical testing. Allele origin: germline.
Comment: Algorithms developed to predict the effect of missense changes on protein structure and function are either unavailable or do not agree on the potential impact of this missense change (SIFT: "Deleterious"; PolyPhen-2: "Benign"; Align-GVGD: "Class C0"). This variant has not been reported in the literature in individuals affected with AHDC1-related conditions. The frequency data for this variant in the population databases is considered unreliable, as metrics indicate poor data quality at this position in the gnomAD database. This sequence change replaces threonine, which is neutral and polar, with alanine, which is neutral and non-polar, at codon 387 of the AHDC1 protein (p.Thr387Ala). In summary, the available evidence is currently insufficient to determine the role of this variant in disease. Therefore, it has been classified as a Variant of Uncertain Significance.